The following is an entry in ClinVar:

NM_000701.8(ATP1A1):c.2727G>T (p.Glu909Asp)

Genes: ATP1A1 (ATPase Na+/K+ transporting subunit alpha 1; plus strand), ATP1A1-AS1 (ATP1A1 antisense RNA 1; minus strand). Cytogenetic location: 1p13.1.
Variant type: single nucleotide variant.
Coding change: c.2727G>T on transcript NM_000701.8 (MANE Select); coding-DNA position 2727, G replaced by T.
Protein change: p.Glu909Asp; replaces glutamic acid 909 with aspartic acid.
Molecular consequence: missense variant.
Genome position (GRCh38, 1-based): chr1:116,401,138, G>T. VCF-style: chr1-116401138-G-T. GRCh37 (hg19) VCF-style: chr1-116943760-G-T.
Other names: c.2727G>T, p.Glu909Asp (NM_001160233.2); c.2634G>T, p.Glu878Asp (NM_001160234.2); short protein forms E909D, E878D.
Identifiers: ClinVar variation 2879602 (VCV002879602.3), dbSNP rs373693545, ClinGen allele CA341775452.

ClinVar aggregate classification (germline): Uncertain significance (1 of 4 stars; one submission).

Allele frequency attached by ClinVar (database versions not stated): gnomAD exomes below 0.00001.
gnomAD v4.1: 1 of 1,614,230 alleles (0.000062%); no homozygotes.

Submission:

Labcorp Genetics (formerly Invitae), Labcorp
Classification: Uncertain significance. Last evaluated: 2023-08-04. Review status: criteria provided, single submitter. Criteria: Invitae Variant Classification Sherloc (09022015). Collection method: clinical testing. Allele origin: germline.
Comment: This variant has not been reported in the literature in individuals affected with ATP1A1-related conditions. Advanced modeling of protein sequence and biophysical properties (such as structural, functional, and spatial information, amino acid conservation, physicochemical variation, residue mobility, and thermodynamic stability) performed at Invitae indicates that this missense variant is not expected to disrupt ATP1A1 protein function. In summary, the available evidence is currently insufficient to determine the role of this variant in disease. Therefore, it has been classified as a Variant of Uncertain Significance. This variant is present in population databases (no rsID available, gnomAD 0.01%). This sequence change replaces glutamic acid, which is acidic and polar, with aspartic acid, which is acidic and polar, at codon 909 of the ATP1A1 protein (p.Glu909Asp).